The following is an entry in ClinVar:

ClinVar aggregate classification (germline): Likely pathogenic (1 of 4 stars; one submission).

Conditions:
Crouzon syndrome. Also called: CRANIOFACIAL DYSOSTOSIS, TYPE I; Craniofacial dysostosis type 1; Crouzon craniofacial dysostosis; Crouzon disease; Craniofacial dysostosis. Identifiers: Orphanet 207, MedGen C0010273, MeSH D003394, MONDO:0007405, OMIM 123500, HP:0004439.

Submission:

Institute of Immunology and Genetics Kaiserslautern
Classification: Likely pathogenic for Crouzon syndrome. Last evaluated: 2025-06-04. Review status: criteria provided, single submitter. Criteria: ACMG Guidelines, 2015. Collection method: clinical testing. Allele origin: germline. Affected: yes.
Comment: ACMG Criteria: PM2, PM5, PP3, PP4; Variant was found in heterozygous state.

NM_000141.5(FGFR2):c.1076T>C (p.Val359Ala)

Gene: FGFR2 (fibroblast growth factor receptor 2; minus strand). Cytogenetic location: 10q26.13.
Variant type: single nucleotide variant.
Coding change: c.1076T>C on transcript NM_000141.5 (MANE Select); coding-DNA position 1076, T replaced by C.
Protein change: p.Val359Ala; replaces valine 359 with alanine.
Molecular consequence: missense variant. On other transcripts: non-coding transcript variant (1), intron variant (7).
Genome position (GRCh38, 1-based): chr10:121,517,327, A>G on the plus strand (T>C on the coding strand, the complement: FGFR2 is on the minus strand). VCF-style: chr10-121517327-A-G. GRCh37 (hg19) VCF-style: chr10-123276841-A-G.
Other names: c.809T>C, p.Val270Ala (NM_001144915.2, NM_001441089.1, NM_023029.3); c.731T>C, p.Val244Ala (NM_001144916.2, NM_001144918.2, NM_001441090.1 and 1 more transcripts); c.392T>C, p.Val131Ala (NM_001320654.2); c.1076T>C, p.Val359Ala (NM_001320658.2); c.749-2008T>C (NM_001144914.1); c.820+1355T>C (NM_001441088.1, NM_001144919.2); c.939+2652T>C (NM_001144917.2); c.1087+1355T>C (NM_001441087.1, NM_022970.4, NM_001144913.1); short protein forms V131A, V244A, V270A, V359A.
Identifiers: ClinVar variation 4074751 (VCV004074751.1).